The following is an entry in ClinVar:

NM_205834.4(LSR):c.282G>A (p.Pro94=)

Gene: LSR (lipolysis stimulated lipoprotein receptor; plus strand). Cytogenetic location: 19q13.12.
Variant type: single nucleotide variant.
Coding change: c.282G>A on transcript NM_205834.4 (MANE Select); coding-DNA position 282, G replaced by A.
Protein change: p.Pro94=; no amino-acid change (proline 94 retained).
Molecular consequence: synonymous variant.
Genome position (GRCh38, 1-based): chr19:35,250,487, G>A. VCF-style: chr19-35250487-G-A. GRCh37 (hg19) VCF-style: chr19-35741390-G-A.
Other names: c.426G>A (NM_205834.3, NM_205834.2); c.282G>A, p.Pro94= (NM_001260489.2, NM_001260490.2, NM_001385215.1 and 2 more transcripts).
Identifiers: ClinVar variation 2699559 (VCV002699559.6), dbSNP rs760163038, ClinGen allele CA9374637.

ClinVar aggregate classification (germline): Likely benign. Review status: criteria provided, multiple submitters, no conflicts (2 of 4 stars). 3 submissions from 3 submitters: Likely benign (3). Last evaluated 2026-08-11.

Conditions:
LSR-related condition.

Allele frequency attached by ClinVar (database versions not stated): gnomAD 0.00002; ExAC 0.00004.

Submissions (4):

PreventionGenetics, part of Exact Sciences
Classification: Likely benign for LSR-related condition. Last evaluated: 2026-08-11. Review status: criteria provided, single submitter. Criteria: ACMG Guidelines, 2015. Collection method: clinical testing. Allele origin: germline.
Comment: This variant is classified as likely benign based on ACMG/AMP sequence variant interpretation guidelines (Richards et al. 2015 PMID: 25741868, with internal and published modifications).

Ambry Genetics
Classification: Likely benign. Last evaluated: 2025-07-13. Review status: criteria provided, single submitter. Criteria: Ambry Variant Classification Scheme 2023. Collection method: clinical testing. Allele origin: germline.

Labcorp Genetics (formerly Invitae), Labcorp
Classification: Likely benign. Last evaluated: 2023-08-10. Review status: criteria provided, single submitter. Criteria: Invitae Variant Classification Sherloc (09022015). Collection method: clinical testing. Allele origin: germline.

Dr. Peter K. Rogan Lab, Western University
No classification provided (evidence only). Condition: Colon adenocarcinoma. Review status: no classification provided. Collection method: in vitro. Allele origin: not applicable. Functional consequence: retained intron. Not counted in ClinVar's aggregate classification.